The following is an entry in ClinVar:

ClinVar aggregate classification (germline): Uncertain significance. Review status: criteria provided, multiple submitters, no conflicts (2 of 4 stars). 4 submissions from 4 submitters: Uncertain significance (3). 1 of the submissions does not count toward it. Last evaluated 2024-11-14.

Conditions:
Hypoparathyroidism, familial isolated, 2. Identifiers: MedGen C5394383, MONDO:0020798, OMIM 618883.
Hyperparathyroidism 4 (HRPT4). Identifiers: MedGen C4479229, MONDO:0024570, OMIM 617343.
Inborn genetic diseases. Identifiers: MedGen C0950123, MeSH D030342.
GCM2-related disorder. Also called: GCM2-related condition.

Allele frequency attached by ClinVar (database versions not stated): ExAC 0.00001; TOPMed 0.00004; gnomAD 0.00005; gnomAD exomes 0.00005.
gnomAD v4.1: 81 of 1,613,814 alleles (0.005%); highest among the groups gnomAD compares: Middle Eastern, 0.017%; no homozygotes.

Submissions (4):

Ambry Genetics
Classification: Uncertain significance for Inborn genetic diseases. Last evaluated: 2024-11-14. Review status: criteria provided, single submitter. Criteria: Ambry Variant Classification Scheme 2023. Collection method: clinical testing. Allele origin: germline.

Fulgent Genetics
Classification: Uncertain significance for Hyperparathyroidism 4; Hypoparathyroidism, familial isolated, 2. Last evaluated: 2024-04-19. Review status: criteria provided, single submitter. Criteria: ACMG Guidelines, 2015. Collection method: clinical testing. Allele origin: germline.

MVZ Martinsried, Medicover Genetics
Classification: Uncertain significance for Hyperparathyroidism 4. Last evaluated: 2022-04-08. Review status: criteria provided, single submitter. Criteria: ACGS Guidelines, 2020. Collection method: clinical testing. Allele origin: unknown. Affected: yes.

PreventionGenetics, part of Exact Sciences
Classification: Uncertain significance for GCM2-related condition. Last evaluated: 2024-02-02. Review status: no assertion criteria provided. Collection method: clinical testing. Allele origin: germline. Not counted in ClinVar's aggregate classification.
Comment: The GCM2 c.523A>T variant is predicted to result in the amino acid substitution p.Ile175Phe. To our knowledge, this variant has not been reported in the literature. This variant is reported in 0.0026% of alleles in individuals of European (Non-Finnish) descent in gnomAD. At this time, the clinical significance of this variant is uncertain due to the absence of conclusive functional and genetic evidence.

NM_004752.4(GCM2):c.523A>T (p.Ile175Phe)

Gene: GCM2 (glial cells missing transcription factor 2; minus strand). Cytogenetic location: 6p24.2.
Variant type: single nucleotide variant.
Coding change: c.523A>T on transcript NM_004752.4 (MANE Select); coding-DNA position 523, A replaced by T.
Protein change: p.Ile175Phe; replaces isoleucine 175 with phenylalanine.
Molecular consequence: missense variant.
Genome position (GRCh38, 1-based): chr6:10,875,950, T>A on the plus strand (A>T on the coding strand, the complement: GCM2 is on the minus strand). VCF-style: chr6-10875950-T-A. GRCh37 (hg19) VCF-style: chr6-10876183-T-A.
Other names: short protein forms I175F.
Identifiers: ClinVar variation 1992385 (VCV001992385.6), dbSNP rs757643811, ClinGen allele CA3634052.